The following is an entry in ClinVar:

NM_001370466.1(NOD2):c.2906C>T (p.Thr969Ile)

Genes: CYLD-AS1 (CYLD antisense RNA 1; minus strand), NOD2 (nucleotide binding oligomerization domain containing 2; plus strand). Cytogenetic location: 16q12.1.
Variant type: single nucleotide variant.
Coding change: c.2906C>T on transcript NM_001370466.1 (MANE Select); coding-DNA position 2906, C replaced by T.
Protein change: p.Thr969Ile; replaces threonine 969 with isoleucine.
Molecular consequence: missense variant. On other transcripts: non-coding transcript variant (1).
Genome position (GRCh38, 1-based): chr16:50,729,838, C>T. VCF-style: chr16-50729838-C-T. GRCh37 (hg19) VCF-style: chr16-50763749-C-T.
Other names: c.2906C>T, p.Thr969Ile (NM_001293557.2); c.2987C>T, p.Thr996Ile (NM_022162.3); short protein forms T969I, T996I.
Identifiers: ClinVar variation 1025574 (VCV001025574.11), dbSNP rs1567407613, ClinGen allele CA395876713.

ClinVar aggregate classification (germline): Uncertain significance. Review status: criteria provided, multiple submitters, no conflicts (2 of 4 stars). 2 submissions from 2 submitters: Uncertain significance (2). Last evaluated 2021-06-03.

Conditions:
Inflammatory bowel disease 1 (IBD1). Also called: Inflammatory bowel disease 1, Crohn disease; INFLAMMATORY BOWEL DISEASE (CROHN DISEASE) 1. Identifiers: MedGen CN260071, MONDO:0009960, OMIM 266600.
Blau syndrome (BLAUS). Also called: GRANULOMATOSIS, FAMILIAL JUVENILE SYSTEMIC; GRANULOMATOSIS, FAMILIAL, BLAU TYPE; GRANULOMATOUS INFLAMMATORY ARTHRITIS, DERMATITIS, AND UVEITIS, FAMILIAL; JABS SYNDROME; ARTHROCUTANEOUVEAL GRANULOMATOSIS. Identifiers: Orphanet 90340, MedGen C5201146, MONDO:0008523, OMIM 186580.
Regional enteritis. Also called: Enteritis, Granulomatous. Identifiers: MedGen C0678202, MeSH D003424.

Allele frequency attached by ClinVar (database versions not stated): gnomAD exomes 0.00001.
gnomAD v4.1: 3 of 1,612,982 alleles (0.00019%); highest among the groups gnomAD compares: Non-Finnish European, 0.00025%; no homozygotes.

Submissions (2):

New York Genome Center
Classification: Uncertain significance for Inflammatory bowel disease 1; Blau syndrome. Last evaluated: 2021-06-03. Review status: criteria provided, single submitter. Criteria: NYGC Assertion Criteria 2020. Collection method: clinical testing. Allele origin: inherited. Observed: 1 heterozygote. Study: CSER-NYCKidSeq.
Comment: The inherited heterozygous c.2987C>T (p.Thr996Ile) missense variant identified in the NOD2 gene has not been reported in affected individuals in the literature. The variant is absent from gnomAD(v3) database suggesting it is not a common benign variant in the populations represented in thatdatabase. In silico tools provide conflicting predictions about potential pathogenicity of this variant (CADD score = 23.4, REVEL score = 0.295). Based on the available evidence, the inherited heterozygous c.2987C>T (p.Thr996Ile) missense variant identified in the NOD2 gene is reported as a variantof uncertain significance.

Labcorp Genetics (formerly Invitae), Labcorp
Classification: Uncertain significance for Regional enteritis; Blau syndrome. Last evaluated: 2020-07-26. Review status: criteria provided, single submitter. Criteria: Invitae Variant Classification Sherloc (09022015). Collection method: clinical testing. Allele origin: germline.
Comment: In summary, the available evidence is currently insufficient to determine the role of this variant in disease. Therefore, it has been classified as a Variant of Uncertain Significance. Advanced modeling of protein sequence and biophysical properties (such as structural, functional, and spatial information, amino acid conservation, physicochemical variation, residue mobility, and thermodynamic stability) performed at Invitae indicates that this missense variant is not expected to disrupt NOD2 protein function. This variant has not been reported in the literature in individuals with NOD2-related conditions. This variant is not present in population databases (ExAC no frequency). This sequence change replaces threonine with isoleucine at codon 996 of the NOD2 protein (p.Thr996Ile). The threonine residue is moderately conserved and there is a moderate physicochemical difference between threonine and isoleucine.